The following is an entry in ClinVar:

ClinVar aggregate classification (germline): Uncertain significance (1 of 4 stars; one submission).

Submission:

Hunan Provincial Maternal and Child Health Care Hospital
Classification: Uncertain significance. Last evaluated: 2024-07-01. Review status: criteria provided, single submitter. Criteria: ACMG/ClinGen CNV Guidelines, 2019. Collection method: clinical testing. Allele origin: maternal. Inheritance: X-linked recessive inheritance.
Comment: This is a copy-number gain (duplication) on chrX (GRCh37: g.32547461_33916403dup; ~1.37 Mb) that overlaps DMD. The clinical effect of DMD duplications depends on exact breakpoints, orientation and whether reading frame/fusion transcripts are produced. No definitive pathogenic evidence for this precise duplication was found; under ACMG/ClinGen CNV guidance and given current evidence the variant is Variant of Uncertain Significance (VUS).

GRCh37/hg19 Xp21.1(chrX:32547461-33916403)x2

Gene: DMD (dystrophin; minus strand). Cytogenetic location: Xp21.1.
Variant type: copy number gain.
Change: copy number 2 of chrX:32,547,461-33,916,403 (1.37 Mb, GRCh37 coordinates, 1-based), cytogenetic band Xp21.1.
Identifiers: ClinVar variation 4277352 (VCV004277352.1).